The following is an entry in ClinVar:

ClinVar aggregate classification (germline): Pathogenic/Likely pathogenic. Review status: criteria provided, multiple submitters, no conflicts (2 of 4 stars). 4 submissions from 4 submitters: Pathogenic (2); Likely pathogenic (2). Last evaluated 2023-11-04.

Conditions:
Usher syndrome type 2A. Also called: USHER SYNDROME, TYPE IIA; RETINAL DISEASE IN USHER SYNDROME TYPE IIA, MODIFIER OF. Identifiers: Orphanet 231178, Orphanet 886, MedGen C1848634, MONDO:0010169, OMIM 276901.

Submissions (4):

Genome-Nilou Lab
Classification: Likely pathogenic for Usher syndrome type 2A. Last evaluated: 2023-11-04. Review status: criteria provided, single submitter. Criteria: ACMG Guidelines, 2015. Collection method: clinical testing. Allele origin: germline. Affected: no.

Labcorp Genetics (formerly Invitae), Labcorp
Classification: Pathogenic. Last evaluated: 2022-07-06. Review status: criteria provided, single submitter. Criteria: Invitae Variant Classification Sherloc (09022015). Collection method: clinical testing. Allele origin: germline.
Comment: This sequence change creates a premature translational stop signal (p.Phe225Leufs*17) in the USH2A gene. It is expected to result in an absent or disrupted protein product. Loss-of-function variants in USH2A are known to be pathogenic (PMID: 10729113, 10909849, 20507924, 25649381). This variant is not present in population databases (gnomAD no frequency). This variant has not been reported in the literature in individuals affected with USH2A-related conditions. ClinVar contains an entry for this variant (Variation ID: 1074900). For these reasons, this variant has been classified as Pathogenic.

Myriad Genetics, Inc.
Classification: Likely pathogenic for Usher syndrome type 2A. Last evaluated: 2022-02-25. Review status: criteria provided, single submitter. Criteria: Myriad Women's Health Autosomal Recessive and X-Linked Classification Criteria (2021). Collection method: clinical testing. Allele origin: unknown.
Comment: NM_206933.2(USH2A):c.675_678delCTTT(F225Lfs*17) is expected to be pathogenic in the context of USH2A-related disorders. This variant is predicted to lead to an abnormal or absent protein product due to the creation of a premature termination codon in USH2A, a gene where loss-of-function variants are known to be pathogenic. Please note: this variant was assessed in the context of healthy population screening.

Lifecell International Pvt. Ltd
Classification: Pathogenic for Usher syndrome type 2A. Review status: criteria provided, single submitter. Criteria: ACMG Guidelines, 2015. Collection method: clinical testing. Allele origin: germline. Inheritance: Autosomal recessive inheritance. Affected: yes. Observed: 1 compound heterozygote.
Comment: A Heterozygous Frameshift variant c.675_678delCTTT in Exon 4 of the USH2A gene that results in the premature termination of the protein (p.Phe225fs*17) was identified. The observed variant has a minimum allele frequency of 0.00% in gnomAD exomes and genomes, respectively. The severity of the impact of this variant on the protein is high, based on the effect of the protein and REVEL score . Rare Exome Variant Ensemble Learner (REVEL) is an ensembl method for predicting the pathogenicity of missense variants based on a combination of scores from 13 individual tools: MutPred, FATHMM v2.3, VEST 3.0, PolyPhen-2, SIFT, PROVEAN, MutationAssessor, MutationTaster, LRT, GERP++, SiPhy, phyloP, and phastCons. The REVEL score for an individual missense variant can range from 0 to 1, with higher scores reflecting greater likelihood that the variant is disease-causing. The variant was found in ClinVar (Variant ID :1074900) with a classification of Pathogenic/Likely Pathogenic and a review status of (2 star) criteria provided, multiple submitters, no conflicts.. Based on the above evidence this variant has been classified as Pathogenic according to the ACMG guidelines.

Literature cited by the submitters: PubMed 10729113 (cited by Labcorp Genetics (formerly Invitae), Labcorp); PubMed 10909849 (cited by Labcorp Genetics (formerly Invitae), Labcorp); PubMed 20507924 (cited by Labcorp Genetics (formerly Invitae), Labcorp); PubMed 25649381 (cited by Labcorp Genetics (formerly Invitae), Labcorp).

NM_206933.4(USH2A):c.675_678del (p.Phe225fs)

Gene: USH2A (usherin; minus strand). Cytogenetic location: 1q41.
Variant type: Deletion.
Coding change: c.675_678del on transcript NM_206933.4 (MANE Select); coding-DNA positions 675 to 678, 4 bases deleted (CTTT; older notation c.675_678delCTTT).
Protein change: p.Phe225fs; shifts the reading frame from phenylalanine 225.
Molecular consequence: frameshift variant.
Genome position (GRCh38, 1-based): chr1:216,365,059-216,365,062, AAAG deleted on the plus strand (CTTT on the coding strand, the reverse complement: USH2A is on the minus strand); deleting any 4 consecutive bases within chr1:216,365,059-216,365,064 gives the same sequence; the c. name uses the placement nearest the transcript's 3' end. VCF-style (leftmost placement, unchanged base first): chr1-216365058-TAAAG-T. GRCh37 (hg19) VCF-style: chr1-216538400-TAAAG-T.
Other names: c.675_678delCTTT (NM_206933.4); c.675_678del, p.Phe225fs (NM_007123.6); short protein forms F225fs.
Identifiers: ClinVar variation 1074900 (VCV001074900.11), dbSNP rs2102708663, ClinGen allele CA2499214528.
Genomic context (GRCh38, chr1:216,365,058, plus strand): 5'-TAATTGAACCACTTAGAGTTCTTGCATTGAAAGGTGTATGATCCTTCTCCACGCCATTGA[TAAAG>T]AAGCTGATTTTTGTCTGATGCACCTGTAAGAAATTACCACCATTATTAGTTTAAGTGCAT-3'